The following is an entry in ClinVar:

ClinVar aggregate classification (germline): Likely benign (1 of 4 stars; one submission).

Submission:

CeGaT Center for Human Genetics Tuebingen
Classification: Likely benign. Last evaluated: 2026-06-01. Review status: criteria provided, single submitter. Criteria: CeGaT Center For Human Genetics Tuebingen Variant Classification Criteria Version 2. Collection method: clinical testing. Allele origin: germline. Affected: yes. Observed: 3 variant alleles.
Comment: RP1L1: PM2:Supporting, BP4, BP7

NM_178857.6(RP1L1):c.5574G>A (p.Gly1858=)

Gene: RP1L1 (RP1 like 1). Cytogenetic location: 8p23.1.
Variant type: single nucleotide variant.
Coding change: c.5574G>A on transcript NM_178857.6 (MANE Select); coding-DNA position 5574, G replaced by A.
Protein change: p.Gly1858=; no amino-acid change (glycine 1858 retained).
Molecular consequence: synonymous variant.
Genome position (GRCh38, 1-based): chr8:10,608,524, C>T on the plus strand (G>A on the coding strand, the complement: RP1L1 is on the minus strand). VCF-style: chr8-10608524-C-T. GRCh37 (hg19) VCF-style: chr8-10466034-C-T.
Identifiers: ClinVar variation 4280818 (VCV004280818.7).